The following is an entry in ClinVar:

NM_000038.6(APC):c.879T>C (p.Ser293=)

Gene: APC (APC regulator of Wnt signaling pathway; plus strand). Cytogenetic location: 5q22.2.
Variant type: single nucleotide variant.
Coding change: c.879T>C on transcript NM_000038.6 (MANE Select); coding-DNA position 879, T replaced by C.
Protein change: p.Ser293=; no amino-acid change (serine 293 retained).
Molecular consequence: synonymous variant. On other transcripts: non-coding transcript variant (2).
Genome position (GRCh38, 1-based): chr5:112,815,539, T>C. VCF-style: chr5-112815539-T-C. GRCh37 (hg19) VCF-style: chr5-112151236-T-C.
Other names: c.879T>C, p.Ser293= (NM_001127510.3, NM_001354895.2, NM_001354896.2 and 12 more transcripts); c.825T>C, p.Ser275= (NM_001127511.3); c.909T>C, p.Ser303= (NM_001354897.2, NM_001354902.2, NM_001407446.1); c.804T>C, p.Ser268= (NM_001354898.2, NM_001354904.2, NM_001407451.1); c.795T>C, p.Ser265= (NM_001354899.2, NM_001407452.1, NM_001407467.1 and 1 more transcripts); c.702T>C, p.Ser234= (NM_001354900.2, NM_001354901.2, NM_001354905.2 and 1 more transcripts); c.30T>C, p.Ser10= (NM_001354906.2, NM_001407470.1, NM_001407471.1 and 1 more transcripts).
Identifiers: ClinVar variation 3148754 (VCV003148754.1), dbSNP rs2149763187, ClinGen allele CA445755696.

ClinVar aggregate classification (germline): Benign (1 of 4 stars; one submission).

Conditions:
Familial adenomatous polyposis 1 (FAP1). Also called: POLYPOSIS, ADENOMATOUS INTESTINAL; FAMILIAL ADENOMATOUS POLYPOSIS 1, ATTENUATED. Identifiers: MedGen C2713442, MONDO:0021056, OMIM 175100. Disease mechanism: loss of function.

Submission:

Myriad Genetics, Inc.
Classification: Benign for Familial adenomatous polyposis 1. Last evaluated: 2024-02-27. Review status: criteria provided, single submitter. Criteria: Myriad Autosomal Dominant, Autosomal Recessive and X-Linked Classification Criteria (2023). Collection method: clinical testing. Allele origin: unknown.
Comment: This variant is considered benign. This variant is a silent/synonymous amino acid change and it is not expected to impact splicing.